The following is an entry in ClinVar:

ClinVar aggregate classification (germline): Uncertain significance (1 of 4 stars; one submission).

Conditions:
Mendelian susceptibility to mycobacterial diseases due to complete IL12RB1 deficiency. Also called: IL12RB1 DEFICIENCY; Immunodeficiency 30. Identifiers: Orphanet 319552, MedGen C4013949, MONDO:0013955, OMIM 614891.

Allele frequency attached by ClinVar (database versions not stated): TOPMed 0.00006; gnomAD 0.00009; gnomAD exomes 0.00014 and 0.00020; ExAC 0.00031.
gnomAD v4.1: 218 of 1,612,788 alleles (0.014%); highest among the groups gnomAD compares: Non-Finnish European, 0.018%; no homozygotes.

Submission:

Labcorp Genetics (formerly Invitae), Labcorp
Classification: Uncertain significance for Mendelian susceptibility to mycobacterial diseases due to complete IL12RB1 deficiency. Last evaluated: 2025-12-29. Review status: criteria provided, single submitter. Criteria: Invitae Variant Classification Sherloc (09022015). Collection method: clinical testing. Allele origin: germline.
Comment: This sequence change replaces serine, which is neutral and polar, with phenylalanine, which is neutral and non-polar, at codon 421 of the IL12RB1 protein (p.Ser421Phe). This variant is present in population databases (rs201548803, gnomAD 0.04%). This variant has not been reported in the literature in individuals affected with IL12RB1-related conditions. ClinVar contains an entry for this variant (Variation ID: 1355345). Invitae Evidence Modeling of protein sequence and biophysical properties (such as structural, functional, and spatial information, amino acid conservation, physicochemical variation, residue mobility, and thermodynamic stability) indicates that this missense variant is expected to disrupt IL12RB1 protein function with a positive predictive value of 80%. In summary, the available evidence is currently insufficient to determine the role of this variant in disease. Therefore, it has been classified as a Variant of Uncertain Significance.

NM_005535.3(IL12RB1):c.1262C>T (p.Ser421Phe)

Gene: IL12RB1 (interleukin 12 receptor subunit beta 1; minus strand). Cytogenetic location: 19p13.11.
Variant type: single nucleotide variant.
Coding change: c.1262C>T on transcript NM_005535.3 (MANE Select); coding-DNA position 1262, C replaced by T.
Protein change: p.Ser421Phe; replaces serine 421 with phenylalanine.
Molecular consequence: missense variant.
Genome position (GRCh38, 1-based): chr19:18,068,454, G>A on the plus strand (C>T on the coding strand, the complement: IL12RB1 is on the minus strand). VCF-style: chr19-18068454-G-A. GRCh37 (hg19) VCF-style: chr19-18179264-G-A.
Other names: c.1262C>T, p.Ser421Phe (NM_001290023.2); c.1382C>T, p.Ser461Phe (NM_001290024.2); short protein forms S461F, S421F.
Identifiers: ClinVar variation 1355345 (VCV001355345.4), dbSNP rs201548803, ClinGen allele CA9304906.